The following is an entry in ClinVar:

ClinVar aggregate classification (germline): Uncertain significance (1 of 4 stars; one submission).

Submission:

Labcorp Genetics (formerly Invitae), Labcorp
Classification: Uncertain significance. Last evaluated: 2022-03-11. Review status: criteria provided, single submitter. Criteria: Invitae Variant Classification Sherloc (09022015). Collection method: clinical testing. Allele origin: germline.
Comment: In summary, the available evidence is currently insufficient to determine the role of this variant in disease. Therefore, it has been classified as a Variant of Uncertain Significance. Algorithms developed to predict the effect of missense changes on protein structure and function are either unavailable or do not agree on the potential impact of this missense change (SIFT: "Deleterious"; PolyPhen-2: "Benign"; Align-GVGD: "Class C15"). This variant has not been reported in the literature in individuals affected with GABRB1-related conditions. This variant is not present in population databases (gnomAD no frequency). This sequence change replaces serine, which is neutral and polar, with phenylalanine, which is neutral and non-polar, at codon 434 of the GABRB1 protein (p.Ser434Phe).

NM_000812.4(GABRB1):c.1301C>T (p.Ser434Phe)

Gene: GABRB1 (gamma-aminobutyric acid type A receptor subunit beta1; plus strand). Cytogenetic location: 4p12.
Variant type: single nucleotide variant.
Coding change: c.1301C>T on transcript NM_000812.4 (MANE Select); coding-DNA position 1301, C replaced by T.
Protein change: p.Ser434Phe; replaces serine 434 with phenylalanine.
Molecular consequence: missense variant.
Genome position (GRCh38, 1-based): chr4:47,425,894, C>T. VCF-style: chr4-47425894-C-T. GRCh37 (hg19) VCF-style: chr4-47427911-C-T.
Other names: short protein forms S434F.
Identifiers: ClinVar variation 2108895 (VCV002108895.4), dbSNP rs2475516542, ClinGen allele CA356767634.